The following is an entry in ClinVar:

NM_020745.4(AARS2):c.2393del (p.Gln798fs)

Gene: AARS2 (alanyl-tRNA synthetase 2, mitochondrial; minus strand). Cytogenetic location: 6p21.1.
Variant type: Deletion.
Coding change: c.2393del on transcript NM_020745.4 (MANE Select); coding-DNA position 2393, one base deleted (A; older notation c.2393delA).
Protein change: p.Gln798fs; shifts the reading frame from glutamine 798.
Molecular consequence: frameshift variant.
Genome position (GRCh38, 1-based): chr6:44,302,485, T deleted on the plus strand (A on the coding strand, the reverse complement: AARS2 is on the minus strand). VCF-style (leftmost placement, unchanged base first): chr6-44302484-CT-C. GRCh37 (hg19) VCF-style: chr6-44270221-CT-C.
Other names: short protein forms Q798fs.
Identifiers: ClinVar variation 2980940 (VCV002980940.3), dbSNP rs2534652321, ClinGen allele CA2740091342.

ClinVar aggregate classification (germline): Pathogenic (1 of 4 stars; one submission).

Submission:

Labcorp Genetics (formerly Invitae), Labcorp
Classification: Pathogenic. Last evaluated: 2023-06-16. Review status: criteria provided, single submitter. Criteria: Invitae Variant Classification Sherloc (09022015). Collection method: clinical testing. Allele origin: germline.
Comment: This sequence change creates a premature translational stop signal (p.Gln798Argfs*3) in the AARS2 gene. It is expected to result in an absent or disrupted protein product. Loss-of-function variants in AARS2 are known to be pathogenic (PMID: 24808023, 30285085, 30819764). For these reasons, this variant has been classified as Pathogenic. This variant has not been reported in the literature in individuals affected with AARS2-related conditions. This variant is not present in population databases (gnomAD no frequency).

Literature cited by the submitters: PubMed 24808023; PubMed 30285085; PubMed 30819764.